The following is an entry in ClinVar:

ClinVar aggregate classification (germline): Uncertain significance (1 of 4 stars; one submission).

Conditions:
ALG8 congenital disorder of glycosylation. Also called: CONGENITAL DISORDER OF GLYCOSYLATION, TYPE Ih; CDG Ih; ALG8-CDG. Identifiers: Orphanet 79325, MedGen C2931002, MONDO:0011969, OMIM 608104.

gnomAD v4.1: 6 of 1,613,894 alleles (0.00037%); highest among the groups gnomAD compares: Middle Eastern, 0.017%; no homozygotes.

Submission:

Labcorp Genetics (formerly Invitae), Labcorp
Classification: Uncertain significance for ALG8 congenital disorder of glycosylation. Last evaluated: 2025-07-28. Review status: criteria provided, single submitter. Criteria: Invitae Variant Classification Sherloc (09022015). Collection method: clinical testing. Allele origin: germline.
Comment: This sequence change replaces valine, which is neutral and non-polar, with isoleucine, which is neutral and non-polar, at codon 298 of the ALG8 protein (p.Val298Ile). This variant is present in population databases (rs770538646, gnomAD 0.0009%). This variant has not been reported in the literature in individuals affected with ALG8-related conditions. Invitae Evidence Modeling of protein sequence and biophysical properties (such as structural, functional, and spatial information, amino acid conservation, physicochemical variation, residue mobility, and thermodynamic stability) indicates that this missense variant is not expected to disrupt ALG8 protein function with a negative predictive value of 80%. In summary, the available evidence is currently insufficient to determine the role of this variant in disease. Therefore, it has been classified as a Variant of Uncertain Significance.

NM_024079.5(ALG8):c.892G>A (p.Val298Ile)

Gene: ALG8 (ALG8 alpha-1,3-glucosyltransferase; minus strand). Cytogenetic location: 11q14.1.
Variant type: single nucleotide variant.
Coding change: c.892G>A on transcript NM_024079.5 (MANE Select); coding-DNA position 892, G replaced by A.
Protein change: p.Val298Ile; replaces valine 298 with isoleucine.
Molecular consequence: missense variant. On other transcripts: non-coding transcript variant (2), intron variant (2).
Genome position (GRCh38, 1-based): chr11:78,112,656, C>T on the plus strand (G>A on the coding strand, the complement: ALG8 is on the minus strand). VCF-style: chr11-78112656-C-T. GRCh37 (hg19) VCF-style: chr11-77823702-C-T.
Other names: c.892G>A, p.Val298Ile (NM_001007027.3, NM_001425221.1, NM_001425222.1 and 8 more transcripts); c.895G>A, p.Val299Ile (NM_001425219.1); c.877G>A, p.Val293Ile (NM_001425220.1); c.886G>A, p.Val296Ile (NM_001425223.1); c.985G>A, p.Val329Ile (NM_001425224.1); c.739G>A, p.Val247Ile (NM_001425226.1, NM_001425235.1, NM_001425236.1); c.691G>A, p.Val231Ile (NM_001425231.1); c.628G>A, p.Val210Ile (NM_001425234.1, NM_001425239.1); and 5 more; short protein forms C263Y, V113I, V126I, V247I, V210I, V231I, V296I, V329I.
Identifiers: ClinVar variation 4766027 (VCV004766027.1).
Genomic context (GRCh38, chr11:78,112,656, plus strand): 5'-TGCCTAAGTCCTTTCAATATTCAGAGTCTGAGTAAAAAATGCTCGCTACCATACCGATGA[C>T]AGACAGCACTTTGTCCAAAGCATTGTACAAAGCCCAGAAGTTTGGAGCCCAATATGCATG-3'
Protein context (NP_076984.2, residues 288-308): LYNALDKVLS[Val298Ile]IGLKLKFLDP